The following is an entry in ClinVar:

ClinVar aggregate classification (germline): Pathogenic. Review status: criteria provided, multiple submitters, no conflicts (2 of 4 stars). 9 submissions from 9 submitters: Pathogenic (9). Last evaluated 2026-01-18.

Conditions:
Maple syrup urine disease type 1A (MSUD1A). Also called: MSUD type 1A. Identifiers: MedGen C1855369, MONDO:0023691, OMIM 248600.
Maple syrup urine disease (MSUD). Identifiers: Orphanet 511, MedGen C0024776, MeSH D008375, MONDO:0009563. Disease mechanism: loss of function.

Allele frequency attached by ClinVar (database versions not stated): ExAC 0.00001; gnomAD exomes 0.00001 and 0.00002; TOPMed 0.00002.
gnomAD v4.1: 11 of 1,614,094 alleles (0.00068%); highest among the groups gnomAD compares: Admixed American, 0.01%; no homozygotes.

Submissions (9):

Labcorp Genetics (formerly Invitae), Labcorp
Classification: Pathogenic for Maple syrup urine disease. Last evaluated: 2026-01-18. Review status: criteria provided, single submitter. Criteria: Invitae Variant Classification Sherloc (09022015). Collection method: clinical testing. Allele origin: germline.
Comment: This sequence change affects a donor splice site in intron 2 of the BCKDHA gene. It is expected to disrupt RNA splicing. Variants that disrupt the donor or acceptor splice site typically lead to a loss of protein function (PMID: 16199547), and loss-of-function variants in BCKDHA are known to be pathogenic (PMID: 16786533, 22593002). This variant is present in population databases (rs398123496, gnomAD 0.006%). Disruption of this splice site has been observed in individual(s) with maple syrup urine disease (PMID: 26901124). ClinVar contains an entry for this variant (Variation ID: 93351). Algorithms developed to predict the effect of sequence changes on RNA splicing suggest that this variant may disrupt the consensus splice site. For these reasons, this variant has been classified as Pathogenic.

Natera, Inc.
Classification: Pathogenic for Maple syrup urine disease type 1A. Last evaluated: 2025-09-22. Review status: criteria provided, single submitter. Criteria: Natera Variant Classification Schema (03/2026). Collection method: clinical testing. Allele origin: germline.
Comment: The c.288+1G>A variant in BCKDHA is a canonical splice donor site variant predicted to affect pre-mRNA splicing, which may result in an abnormal transcript and altered protein product. This variant is expected to result in nonsense mediated decay, truncation, or a dysfunctional protein product. This variant is rare in the general population with a frequency below the threshold expected for the associated phenotype(s). This variant has been observed in one or more individuals affected with the associated recessive disease, as either homozygous or compound heterozygous with a second variant (PMID: 31119508). Given the available evidence, this variant is classified as Pathogenic.

Myriad Genetics, Inc.
Classification: Pathogenic for Maple syrup urine disease type 1A. Last evaluated: 2021-11-10. Review status: criteria provided, single submitter. Criteria: Myriad Women's Health Autosomal Recessive and X-Linked Classification Criteria (2021). Collection method: clinical testing. Allele origin: unknown.
Comment: NM_000709.3(BCKDHA):c.288+1G>A is a canonical splice variant classified as pathogenic in the context of maple syrup urine disease type Ia. c.288+1G>A has been observed in cases with relevant disease (PMID: 31980395, 31119508). Functional assessments of this variant are not available in the literature. c.288+1G>A has been observed in population frequency databases (gnomAD: OTH 0.02%). In summary, NM_000709.3(BCKDHA):c.288+1G>A is a canonical splice variant that has been observed more frequently in cases with the relevant disease than in healthy populations. Please note: this variant was assessed in the context of healthy population screening.

Genome-Nilou Lab
Classification: Pathogenic for Maple syrup urine disease type 1A. Last evaluated: 2021-11-07. Review status: criteria provided, single submitter. Criteria: ACMG Guidelines, 2015. Collection method: clinical testing. Allele origin: germline. Affected: no.

Women's Health and Genetics/Laboratory Corporation of America, LabCorp
Classification: Pathogenic for Maple syrup urine disease type 1A. Last evaluated: 2021-03-19. Review status: criteria provided, single submitter. Criteria: LabCorp Variant Classification Summary - May 2015. Collection method: clinical testing. Allele origin: germline.
Comment: Variant summary: BCKDHA c.288+1G>A is located in a canonical splice-site and is predicted to affect mRNA splicing resulting in a significantly altered protein due to either exon skipping, shortening, or inclusion of intronic material. Several computational tools predict a significant impact on normal splicing: Four predict the variant abolishes a 5 splicing donor site. However, these predictions have yet to be confirmed by functional studies. The variant allele was found at a frequency of 1.6e-05 in 251274 control chromosomes (gnomAD). c.288+1G>A has been reported in the literature in at least a homozygous individual affected with Maple Syrup Urine Disease (example: Abiri_BCKDHA_MutatRes_2016, Strauss_BCKDHA_MGM_2020). These data indicate that the variant is likely to be associated with disease. To our knowledge, no experimental evidence demonstrating an impact on protein function has been reported. Four ClinVar submitters (evaluation after 2014) cite the variant as likely pathogenic/pathogenic. Based on the evidence outlined above, the variant was classified as pathogenic.

Revvity Omics, Revvity
Classification: Pathogenic for Maple syrup urine disease type 1A. Last evaluated: 2021-02-18. Review status: criteria provided, single submitter. Criteria: ACMG Guidelines, 2015. Collection method: clinical testing. Allele origin: germline.

GeneDx
Classification: Pathogenic. Last evaluated: 2015-10-23. Review status: criteria provided, single submitter. Criteria: GeneDx Variant Classification (06012015). Collection method: clinical testing. Allele origin: germline. Affected: yes.
Comment: The c.288+1 G>A splice site mutation in the BCKDHA gene destroys the canonical splice donor site in intron 2. It is predicted to cause abnormal gene splicing, either leading to an abnormal message that is subject to nonsense-mediated mRNA decay, or to an abnormal protein product if the message is used for protein translation. The variant is found in BCKDHA panel(s).

Eurofins Ntd Llc (ga)
Classification: Pathogenic. Last evaluated: 2013-08-23. Review status: criteria provided, single submitter. Criteria: EGL Classification Definitions. Collection method: clinical testing. Allele origin: germline. Observed: 8 variant alleles, 3 heterozygotes, 5 homozygotes.

National Newborn Screening Laboratory, Hospital Nacional de Niños
Classification: Pathogenic for Maple syrup urine disease type 1A. Review status: criteria provided, single submitter. Criteria: ACMG Guidelines, 2015. Collection method: clinical testing. Allele origin: maternal. Inheritance: Autosomal recessive inheritance. Affected: yes. Observed: 1 compound heterozygote. Segregation with disease observed.
Comment: This variant is located within the ±2 bp from a splice site in the BCKDHA gene, where loss of function is a known mechanism of disease. It is present in population databases in low frequency (GnomAD exomes: 0.000016, ExAC: A=0.000008). This variant has been published in the literature associated with individuals with MSUD (PMID: 26901124, PMID: 31119508).

Literature cited by the submitters: PubMed 16199547 (cited by Labcorp Genetics (formerly Invitae), Labcorp); PubMed 16786533 (cited by Labcorp Genetics (formerly Invitae), Labcorp); PubMed 22593002 (cited by Labcorp Genetics (formerly Invitae), Labcorp); PubMed 26901124 (cited by 3 submitters); PubMed 31119508 (cited by 3 submitters); PubMed 31980395 (cited by Myriad Genetics, Inc. and Women's Health and Genetics/Laboratory Corporation of America, LabCorp).

NM_000709.4(BCKDHA):c.288+1G>A

Gene: BCKDHA (branched chain keto acid dehydrogenase E1 subunit alpha; plus strand). Cytogenetic location: 19q13.2.
Variant type: single nucleotide variant.
Coding change: c.288+1G>A on transcript NM_000709.4 (MANE Select); the canonical splice donor site of the intron after coding-DNA position 288, G replaced by A.
Molecular consequence: splice donor variant.
Genome position (GRCh38, 1-based): chr19:41,410,817, G>A. VCF-style: chr19-41410817-G-A. GRCh37 (hg19) VCF-style: chr19-41916722-G-A.
Other names: c.288+1G>A (NM_001164783.2).
Identifiers: ClinVar variation 93351 (VCV000093351.32), dbSNP rs398123496, ClinGen allele CA275072.